The following is an entry in ClinVar:

NC_000007.14:g.156789644A>C

Genes: LMBR1 (limb development membrane protein 1; minus strand), SHH (sonic hedgehog signaling molecule; minus strand). Cytogenetic location: 7q36.3.
Variant type: single nucleotide variant.
Molecular consequence: intron variant (on NM_022458.4).
Genome position: GRCh38 VCF-style: chr7-156789644-A-C. GRCh37 (hg19) VCF-style: chr7-156582338-A-C.
Other names: c.360+6745T>G (NM_001363412.2); c.144+6745T>G (NM_001350954.2); c.423+6745T>G (NM_001363410.2, NM_022458.4, NM_001363409.2 and 1 more transcripts); c.-112+6745T>G (NM_001350958.2, NM_001350956.2, NM_001350955.2 and 1 more transcripts); c.54+6745T>G (NM_001350957.2, NM_001363411.2).
Identifiers: ClinVar variation 2873764 (VCV002873764.3), dbSNP rs1407559417, ClinGen allele CA579061574.
Genomic context (GRCh38, chr7:156,789,644, plus strand): 5'-CAAAGATCAACATTGTGACCCACTGAATAAATGATTTTATACATGAATAAATATGAGCTT[A>C]AGTGCCAAATAAATCTAAGATTGTAACAATTCAACCCCTAGCCTCTCTGGTGAGCTCTTG-3'

ClinVar aggregate classification (germline): Uncertain significance (1 of 4 stars; one submission).

Conditions:
Holoprosencephaly 3 (HPE3). Identifiers: Orphanet 2162, MedGen C1840529, MONDO:0007733, OMIM 142945.

Allele frequency attached by ClinVar (database versions not stated): gnomAD 0.00001; TOPMed 0.00001.
gnomAD v4.1: 1 of 152,224 alleles (0.00066%); highest among the groups gnomAD compares: African/African-American, 0.0024%; no homozygotes.

Submission:

Labcorp Genetics (formerly Invitae), Labcorp
Classification: Uncertain significance for Holoprosencephaly 3. Last evaluated: 2023-08-10. Review status: criteria provided, single submitter. Criteria: Invitae Variant Classification Sherloc (09022015). Collection method: clinical testing. Allele origin: germline.
Comment: In summary, the available evidence is currently insufficient to determine the role of this variant in disease. Therefore, it has been classified as a Variant of Uncertain Significance. Experimental studies and prediction algorithms are not available or were not evaluated, and the functional significance of this variant is currently unknown. This variant has not been reported in the literature in individuals affected with SHH-related conditions. This variant is present in population databases (no rsID available, gnomAD 0.01%). This variant occurs in a non-coding region of the SHH gene. It does not change the encoded amino acid sequence of the SHH protein.